The following is an entry in ClinVar:

ClinVar aggregate classification (germline): Uncertain significance. Review status: criteria provided, multiple submitters, no conflicts (2 of 4 stars). 2 submissions from 2 submitters: Uncertain significance (2). Last evaluated 2026-01-18.

Conditions:
Nephronophthisis. Also called: Juvenile Nephronophthisis. Identifiers: Orphanet 655, MedGen C0687120, MONDO:0019005, HP:0000090.
NPHP4-related disorder. Also called: NPHP4-related condition; NPHP4-related disorders. Identifiers: MedGen CN239384.

gnomAD v4.1: 5 of 1,613,892 alleles (0.00031%); highest among the groups gnomAD compares: Non-Finnish European, 0.00042%; no homozygotes.

Submissions (2):

Labcorp Genetics (formerly Invitae), Labcorp
Classification: Uncertain significance for Nephronophthisis. Last evaluated: 2026-01-18. Review status: criteria provided, single submitter. Criteria: Invitae Variant Classification Sherloc (09022015). Collection method: clinical testing. Allele origin: germline.
Comment: This sequence change replaces aspartic acid, which is acidic and polar, with asparagine, which is neutral and polar, at codon 371 of the NPHP4 protein (p.Asp371Asn). This variant is present in population databases (no rsID available, gnomAD 0.002%). This variant has not been reported in the literature in individuals affected with NPHP4-related conditions. Invitae Evidence Modeling of protein sequence and biophysical properties (such as structural, functional, and spatial information, amino acid conservation, physicochemical variation, residue mobility, and thermodynamic stability) indicates that this missense variant is not expected to disrupt NPHP4 protein function with a negative predictive value of 80%. In summary, the available evidence is currently insufficient to determine the role of this variant in disease. Therefore, it has been classified as a Variant of Uncertain Significance.

PreventionGenetics, part of Exact Sciences
Classification: Uncertain significance for NPHP4-related condition. Last evaluated: 2025-11-19. Review status: criteria provided, single submitter. Criteria: ACMG Guidelines, 2015. Collection method: clinical testing. Allele origin: germline.
Comment: The NPHP4 c.1111G>A variant is predicted to result in the amino acid substitution p.Asp371Asn. To our knowledge, this variant has not been reported in the literature. This variant is present in 0.0016% of alleles in individuals of European (Non-Finnish) descent in gnomAD. At this time, the clinical significance of this variant is uncertain due to the absence of conclusive functional and genetic evidence.

NM_015102.5(NPHP4):c.1111G>A (p.Asp371Asn)

Gene: NPHP4 (nephrocystin 4; minus strand). Cytogenetic location: 1p36.31.
Variant type: single nucleotide variant.
Coding change: c.1111G>A on transcript NM_015102.5 (MANE Select); coding-DNA position 1111, G replaced by A.
Protein change: p.Asp371Asn; replaces aspartic acid 371 with asparagine.
Molecular consequence: missense variant. On other transcripts: 5 prime UTR variant (2), non-coding transcript variant (1).
Genome position (GRCh38, 1-based): chr1:5,947,112, C>T on the plus strand (G>A on the coding strand, the complement: NPHP4 is on the minus strand). VCF-style: chr1-5947112-C-T. GRCh37 (hg19) VCF-style: chr1-6007172-C-T.
Other names: c.-256G>A (NM_001291593.2, NM_001291594.2); c.1111G>A (NM_015102.4); short protein forms D371N.
Identifiers: ClinVar variation 4707501 (VCV004707501.2).